The following is an entry in ClinVar:

ClinVar aggregate classification (germline): Uncertain significance (0 of 4 stars; one submission).

Conditions:
Prostate cancer. Also called: Malignant tumor of prostate. Identifiers: Orphanet 1331, MedGen C0376358, MONDO:0008315, HP:0012125.

Allele frequency attached by ClinVar (database versions not stated): gnomAD exomes below 0.00001.
gnomAD v4.1: 1 of 1,614,034 alleles (0.000062%); highest among the groups gnomAD compares: Non-Finnish European, 0.000085%; no homozygotes.

Submission:

Science for Life laboratory,  Karolinska Institutet
Classification: Uncertain significance for Malignant tumor of prostate. Review status: no assertion criteria provided. Collection method: not provided. Allele origin: somatic.
Comment: TumorID:SWE-1
ClinVar note: Converted during submission from Unknown to Uncertain significance.

NM_014680.5(BLTP2):c.3387G>A (p.Trp1129Ter)

Gene: BLTP2 (bridge-like lipid transfer protein family member 2; minus strand). Cytogenetic location: 17q11.2.
Variant type: single nucleotide variant.
Coding change: c.3387G>A on transcript NM_014680.5 (MANE Select); coding-DNA position 3387, G replaced by A.
Protein change: p.Trp1129Ter; replaces tryptophan 1129 with a stop codon.
Molecular consequence: nonsense.
Genome position (GRCh38, 1-based): chr17:28,633,627, C>T on the plus strand (G>A on the coding strand, the complement: BLTP2 is on the minus strand). VCF-style: chr17-28633627-C-T. GRCh37 (hg19) VCF-style: chr17-26960645-C-T.
Other names: c.3387G>A, p.Trp1129Ter (NM_001321560.2); c.2958G>A, p.Trp986Ter (NM_001363826.1); c.2382G>A, p.Trp794Ter (NM_001363827.1); c.1362G>A, p.Trp454Ter (NM_001363828.1, NM_001363829.1); short protein forms W1129*, W454*, W986*, W794*.
Identifiers: ClinVar variation 161680 (VCV000161680.2), dbSNP rs193920746, ClinGen allele CA174587.